The following is an entry in ClinVar:

NM_000256.3(MYBPC3):c.2780_2781del (p.Thr927fs)

Gene: MYBPC3 (myosin binding protein C3; minus strand). Cytogenetic location: 11p11.2.
Variant type: Microsatellite.
Coding change: c.2780_2781del on transcript NM_000256.3 (MANE Select); coding-DNA positions 2780 to 2781, 2 bases deleted (CA; older notation c.2780_2781delCA).
Protein change: p.Thr927fs; shifts the reading frame from threonine 927.
Molecular consequence: frameshift variant.
Genome position (GRCh38, 1-based): chr11:47,335,166-47,335,167, TG deleted on the plus strand (CA on the coding strand, the reverse complement: MYBPC3 is on the minus strand); deleting any 2 consecutive bases within chr11:47,335,166-47,335,171 gives the same sequence; the c. name uses the placement nearest the transcript's 3' end. VCF-style (leftmost placement, unchanged base first): chr11-47335165-ATG-A. GRCh37 (hg19) VCF-style: chr11-47356716-ATG-A.
Other names: c.2780_2781delCA (NM_000256.3); short protein forms T927fs.
Identifiers: ClinVar variation 177660 (VCV000177660.31), dbSNP rs727504265, ClinGen allele CA012964.

ClinVar aggregate classification (germline): Pathogenic. Review status: criteria provided, multiple submitters, no conflicts (2 of 4 stars). 8 submissions from 8 submitters: Pathogenic (6). 2 of the submissions do not count toward it. Last evaluated 2026-07-31.

Conditions:
Cardiovascular phenotype. Identifiers: MedGen CN230736.
Cardiomyopathy (CMYO). Also called: Cardiomyopathies. Identifiers: Orphanet 167848, MedGen C0878544, MONDO:0004994, HP:0001638. Inheritance: Various modes of inheritance.
Hypertrophic cardiomyopathy 4. Also called: Familial hypertrophic cardiomyopathy 4. Identifiers: MedGen C1861862, MONDO:0007268, OMIM 115197.
Hypertrophic cardiomyopathy. Also called: HYPERTROPHIC MYOCARDIOPATHY. Identifiers: Orphanet 217569, MedGen C0007194, MeSH D002312, MONDO:0005045, HP:0001639.

Submissions (8):

GeneDx
Classification: Pathogenic. Last evaluated: 2026-07-31. Review status: criteria provided, single submitter. Criteria: GeneDx Variant Classification Process June 2021. Collection method: clinical testing. Allele origin: germline.
Comment: Frameshift variant predicted to result in protein truncation or nonsense mediated decay in a gene for which loss of function is a known mechanism of disease; Not observed at significant frequency in large population cohorts (gnomAD); This variant is associated with the following publications: (PMID: 27532257, 36578016, 24093860, 25611685, 28790153, 28408708, 28615295, 33087929, 20474083, 37652022, 36264615, 36243179)

Labcorp Genetics (formerly Invitae), Labcorp
Classification: Pathogenic for Hypertrophic cardiomyopathy. Last evaluated: 2025-03-30. Review status: criteria provided, single submitter. Criteria: Invitae Variant Classification Sherloc (09022015). Collection method: clinical testing. Allele origin: germline.
Comment: This sequence change creates a premature translational stop signal (p.Thr927Ilefs*123) in the MYBPC3 gene. It is expected to result in an absent or disrupted protein product. Loss-of-function variants in MYBPC3 are known to be pathogenic (PMID: 19574547). This variant is not present in population databases (gnomAD no frequency). This premature translational stop signal has been observed in individual(s) with hypertrophic cardiomyopathy (PMID: 27532257). ClinVar contains an entry for this variant (Variation ID: 177660). Algorithms developed to predict the effect of sequence changes on RNA splicing suggest that this variant may disrupt the consensus splice site. For these reasons, this variant has been classified as Pathogenic.

Institute of Immunology and Genetics Kaiserslautern
Classification: Pathogenic for Hypertrophic cardiomyopathy 4. Last evaluated: 2025-01-30. Review status: criteria provided, single submitter. Criteria: ACMG Guidelines, 2015. Collection method: clinical testing. Allele origin: germline. Affected: yes.
Comment: ACMG Criteria: PVS1, PM2, PP1, PP5; Variant was found in heterozygous state

Ambry Genetics
Classification: Pathogenic for Cardiovascular phenotype. Last evaluated: 2023-11-06. Review status: criteria provided, single submitter. Criteria: Ambry Variant Classification Scheme 2023. Collection method: clinical testing. Allele origin: germline.
Comment: The c.2780_2781delCA pathogenic mutation, located in coding exon 27 of the MYBPC3 gene, results from a deletion of two nucleotides at nucleotide positions 2780 to 2781, causing a translational frameshift with a predicted alternate stop codon (p.T927Ifs*123). This mutation has been reported in individuals with hypertrophic cardiomyopathy, as well as in one dilated cardiomyopathy case, although clinical details were limited (Zimmerman RS et al. Genet. Med., 2010 May;12:268-78; Alfares AA et al. Genet. Med., 2015 Nov;17:880-8; Burns C et al. Circ Cardiovasc Genet, 2017 Aug;10:; Ross SB et al. Circ Cardiovasc Genet, 2017 Jun;10:; Walsh R et al. Genet. Med., 2017 02;19:192-203). This variant is considered to be rare based on population cohorts in the Genome Aggregation Database (gnomAD). In addition to the clinical data presented in the literature, this alteration is expected to result in loss of function by premature protein truncation or nonsense-mediated mRNA decay. As such, this alteration is interpreted as a disease-causing mutation.

Laboratory for Molecular Medicine, Mass General Brigham Personalized Medicine
Classification: Pathogenic for Hypertrophic cardiomyopathy. Last evaluated: 2019-08-29. Review status: criteria provided, single submitter. Criteria: LMM Criteria. Collection method: clinical testing. Allele origin: germline. Inheritance: Autosomal dominant inheritance. Observed: 8 variant alleles.
Comment: The p.Thr927Ilefs*123 variant in MYBPC3 has been identified in at least 3 individuals with HCM and segregated with disease in 1 affected family member (Burns 2017, LMM data). It was absent from large population studies but has been reported in ClinVar (Variation ID #177660). This variant is predicted to cause a frameshift, which alters the proteinâ€™s amino acid sequence beginning at position 927 and leads to a premature termination codon 123 amino acids downstream. This alteration is then predicted to lead to a truncated or absent protein. Loss of function of the MYBPC3 gene is an established disease mechanism in autosomal dominant HCM. In summary, this variant meets criteria to be classified as pathogenic for autosomal dominant HCM. ACMG/AMP Criteria applied: PVS1, PM2, PS4_Supporting.

CHEO Genetics Diagnostic Laboratory, Children's Hospital of Eastern Ontario
Classification: Pathogenic for Cardiomyopathy. Last evaluated: 2016-04-14. Review status: criteria provided, single submitter. Criteria: ACMG Guidelines, 2015. Collection method: clinical testing. Allele origin: germline. Study: Canadian Open Genetics Repository.

Clinical Genetics DNA and cytogenetics Diagnostics Lab, Erasmus MC, Erasmus Medical Center
Classification: Pathogenic. Review status: no assertion criteria provided. Collection method: clinical testing. Allele origin: germline. Affected: yes. Study: VKGL Data-share Consensus. Not counted in ClinVar's aggregate classification.

Joint Genome Diagnostic Labs from Nijmegen and Maastricht, Radboudumc and MUMC+
Classification: Pathogenic. Review status: no assertion criteria provided. Collection method: clinical testing. Allele origin: germline. Affected: yes. Study: VKGL Data-share Consensus. Not counted in ClinVar's aggregate classification.

Literature cited by the submitters: PubMed 19574547 (cited by Labcorp Genetics (formerly Invitae), Labcorp); PubMed 27532257 (cited by 3 submitters); PubMed 20474083 (cited by Ambry Genetics and Laboratory for Molecular Medicine, Mass General Brigham Personalized Medicine); PubMed 25611685 (cited by Ambry Genetics and Laboratory for Molecular Medicine, Mass General Brigham Personalized Medicine); PubMed 28615295 (cited by Ambry Genetics); PubMed 28790153 (cited by Ambry Genetics and Laboratory for Molecular Medicine, Mass General Brigham Personalized Medicine).